The following is an entry in ClinVar:

ClinVar aggregate classification (germline): Uncertain significance (1 of 4 stars; one submission).

gnomAD v4.1: 43 of 1,613,680 alleles (0.0027%); highest among the groups gnomAD compares: Middle Eastern, 0.049%; 1 homozygote.

Submission:

Ambry Genetics
Classification: Uncertain significance. Last evaluated: 2026-08-05. Review status: criteria provided, single submitter. Criteria: Ambry Variant Classification Scheme 2023. Collection method: clinical testing. Allele origin: germline.
Comment: The c.6156C>G (p.S2052R) alteration is located in exon 3 (coding exon 3) of the MUC17 gene. This alteration results from a C to G substitution at nucleotide position 6156, causing the serine (S) at amino acid position 2052 to be replaced by an arginine (R). Based on data from gnomAD, the G allele has an overall frequency of 0.003% (8/282262) total alleles studied. The highest observed frequency was 0.006% (8/128836) of European (non-Finnish) alleles. Based on insufficient or conflicting evidence, the clinical significance of this alteration remains unclear.

NM_001040105.2(MUC17):c.6156C>G (p.Ser2052Arg)

Gene: MUC17 (mucin 17, cell surface associated; plus strand). Cytogenetic location: 7q22.1.
Variant type: single nucleotide variant.
Coding change: c.6156C>G on transcript NM_001040105.2 (MANE Select); coding-DNA position 6156, C replaced by G.
Protein change: p.Ser2052Arg; replaces serine 2052 with arginine.
Molecular consequence: missense variant. On other transcripts: non-coding transcript variant (1).
Genome position (GRCh38, 1-based): chr7:101,037,572, C>G. VCF-style: chr7-101037572-C-G. GRCh37 (hg19) VCF-style: chr7-100680853-C-G.
Other names: short protein forms S2052R.
Identifiers: ClinVar variation 3296841 (VCV003296841.2).
Genomic context (GRCh38, chr7:101,037,572, plus strand): 5'-CAGCATACAAACCTCAACTCCTAGTGAACGGACCACTCCATTAGCAGGTATGCCTGTCAG[C>G]ACTACGCTTGTGGTCAGTTCTGAGGGTAACACCCTTTCAACAACTCCTGTTGACTCCAAA-3'
Protein context (NP_001035194.1, residues 2042-2062): RTTPLAGMPV[Ser2052Arg]TTLVVSSEGN